The following is an entry in ClinVar:

ClinVar aggregate classification (germline): Uncertain significance. Review status: criteria provided, multiple submitters, no conflicts (2 of 4 stars). 2 submissions from 2 submitters: Uncertain significance (2). Last evaluated 2024-09-10.

Conditions:
Inborn genetic diseases. Identifiers: MedGen C0950123, MeSH D030342.
Chédiak-Higashi syndrome (CHS). Also called: Chediak-Higashi Syndrome. Identifiers: Orphanet 167, MedGen C0007965, MONDO:0008963, OMIM 214500.

Allele frequency attached by ClinVar (database versions not stated): gnomAD 0.00001; TOPMed 0.00001; gnomAD exomes 0.00002.
gnomAD v4.1: 31 of 1,613,398 alleles (0.0019%); highest among the groups gnomAD compares: Non-Finnish European, 0.0025%; no homozygotes.

Submissions (2):

Ambry Genetics
Classification: Uncertain significance for Inborn genetic diseases. Last evaluated: 2024-09-10. Review status: criteria provided, single submitter. Criteria: Ambry Variant Classification Scheme 2023. Collection method: clinical testing. Allele origin: germline.

Labcorp Genetics (formerly Invitae), Labcorp
Classification: Uncertain significance for Chédiak-Higashi syndrome. Last evaluated: 2021-08-24. Review status: criteria provided, single submitter. Criteria: Invitae Variant Classification Sherloc (09022015). Collection method: clinical testing. Allele origin: germline.
Comment: This sequence change replaces valine with isoleucine at codon 1167 of the LYST protein (p.Val1167Ile). The valine residue is moderately conserved and there is a small physicochemical difference between valine and isoleucine. This variant is not present in population databases (ExAC no frequency). This variant has not been reported in the literature in individuals affected with LYST-related conditions. Algorithms developed to predict the effect of missense changes on protein structure and function are either unavailable or do not agree on the potential impact of this missense change (SIFT: "Tolerated"; PolyPhen-2: "Probably Damaging"; Align-GVGD: "Class C0"). In summary, the available evidence is currently insufficient to determine the role of this variant in disease. Therefore, it has been classified as a Variant of Uncertain Significance.

NM_000081.4(LYST):c.3499G>A (p.Val1167Ile)

Gene: LYST (lysosomal trafficking regulator; minus strand). Cytogenetic location: 1q42.3.
Variant type: single nucleotide variant.
Coding change: c.3499G>A on transcript NM_000081.4 (MANE Select); coding-DNA position 3499, G replaced by A.
Protein change: p.Val1167Ile; replaces valine 1167 with isoleucine.
Molecular consequence: missense variant.
Genome position (GRCh38, 1-based): chr1:235,804,560, C>T on the plus strand (G>A on the coding strand, the complement: LYST is on the minus strand). VCF-style: chr1-235804560-C-T. GRCh37 (hg19) VCF-style: chr1-235967860-C-T.
Other names: c.3499G>A, p.Val1167Ile (NM_001301365.1); c.3499G>A (NM_000081.2); short protein forms V1167I.
Identifiers: ClinVar variation 663901 (VCV000663901.7), dbSNP rs1672606419, ClinGen allele CA344948686.
Genomic context (GRCh38, chr1:235,804,560, plus strand): 5'-ATACCTTCTCAGTCATAGCATCATTATGTTCAAAATCTGCTGAATAATTCCCGAGGGCAA[C>T]TCGAAGCAGGGCATCAAATAAAGGCTTTGCTAGTTGTGTTTCAATCACCTTTGACTGGGA-3'
Protein context (NP_000072.2, residues 1157-1177): AKPLFDALLR[Val1167Ile]ALGNYSADFE